The following is an entry in ClinVar:

ClinVar aggregate classification (germline): Conflicting classifications of pathogenicity. Review status: criteria provided, conflicting classifications (1 of 4 stars). 2 submissions from 2 submitters: Uncertain significance (1); Likely benign (1). Last evaluated 2024-01-05.

Conditions:
Cardiomyopathy (CMYO). Also called: Cardiomyopathies. Identifiers: Orphanet 167848, MedGen C0878544, MONDO:0004994, HP:0001638. Inheritance: Various modes of inheritance.

Allele frequency attached by ClinVar (database versions not stated): gnomAD exomes 0.00001.
gnomAD v4.1: 12 of 1,348,280 alleles (0.00089%); highest among the groups gnomAD compares: African/African-American, 0.0015%; no homozygotes.

Submissions (2):

Color Diagnostics, LLC DBA Color Health
Classification: Uncertain significance for Cardiomyopathy. Last evaluated: 2024-01-05. Review status: criteria provided, single submitter. Criteria: ACMG Guidelines, 2015. Collection method: clinical testing. Allele origin: germline.
Comment: This variant is located in the 5' untranslated region of the PKP2 gene. To our knowledge, functional studies have not been reported for this variant. This variant has not been reported in individuals affected with PKP2-related disorders in the literature. This variant has not been identified in the general population by the Genome Aggregation Database (gnomAD). The available evidence is insufficient to determine the role of this variant in disease conclusively. Therefore, this variant is classified as a Variant of Uncertain Significance.

GeneDx
Classification: Likely benign. Last evaluated: 2016-04-05. Review status: criteria provided, single submitter. Criteria: GeneDx Variant Classification (06012015). Collection method: clinical testing. Allele origin: germline. Affected: yes.
Comment: This variant is considered likely benign or benign based on one or more of the following criteria: it is a conservative change, it occurs at a poorly conserved position in the protein, it is predicted to be benign by multiple in silico algorithms, and/or has population frequency not consistent with disease.

NM_001005242.3(PKP2):c.-15G>T

Gene: PKP2 (plakophilin 2; minus strand). Cytogenetic location: 12p11.21.
Variant type: single nucleotide variant.
Coding change: c.-15G>T on transcript NM_001005242.3 (MANE Select); 15 bases upstream of the start codon, G replaced by T.
Molecular consequence: 5 prime UTR variant.
Genome position (GRCh38, 1-based): chr12:32,896,746, C>A on the plus strand (G>T on the coding strand, the complement: PKP2 is on the minus strand). VCF-style: chr12-32896746-C-A. GRCh37 (hg19) VCF-style: chr12-33049680-C-A.
Other names: c.-15G>T (NM_004572.4).
Identifiers: ClinVar variation 308519 (VCV000308519.10), dbSNP rs886049325, ClinGen allele CA10637301.